The following is an entry in ClinVar:

ClinVar aggregate classification (germline): Uncertain significance. Review status: criteria provided, multiple submitters, no conflicts (2 of 4 stars). 3 submissions from 3 submitters: Uncertain significance (2). 1 of the submissions does not count toward it. Last evaluated 2024-10-21.

Conditions:
NBAS-related disorder. Also called: NBAS-related condition.
Inborn genetic diseases. Identifiers: MedGen C0950123, MeSH D030342.

Allele frequency attached by ClinVar (database versions not stated): gnomAD exomes below 0.00001; TOPMed 0.00004.
gnomAD v4.1: 1 of 1,614,124 alleles (0.000062%); highest among the groups gnomAD compares: Admixed American, 0.0017%; no homozygotes.

Submissions (3):

Ambry Genetics
Classification: Uncertain significance for Inborn genetic diseases. Last evaluated: 2024-10-21. Review status: criteria provided, single submitter. Criteria: Ambry Variant Classification Scheme 2023. Collection method: clinical testing. Allele origin: germline.

Labcorp Genetics (formerly Invitae), Labcorp
Classification: Uncertain significance. Last evaluated: 2022-08-20. Review status: criteria provided, single submitter. Criteria: Invitae Variant Classification Sherloc (09022015). Collection method: clinical testing. Allele origin: germline.
Comment: This sequence change replaces lysine, which is basic and polar, with arginine, which is basic and polar, at codon 563 of the NBAS protein (p.Lys563Arg). This variant is present in population databases (no rsID available, gnomAD 0.003%). This variant has not been reported in the literature in individuals affected with NBAS-related conditions. ClinVar contains an entry for this variant (Variation ID: 1381593). Algorithms developed to predict the effect of missense changes on protein structure and function (SIFT, PolyPhen-2, Align-GVGD) all suggest that this variant is likely to be disruptive. In summary, the available evidence is currently insufficient to determine the role of this variant in disease. Therefore, it has been classified as a Variant of Uncertain Significance.

PreventionGenetics, part of Exact Sciences
Classification: Uncertain significance for NBAS-related condition. Last evaluated: 2024-08-13. Review status: no assertion criteria provided. Collection method: clinical testing. Allele origin: germline. Not counted in ClinVar's aggregate classification.
Comment: The NBAS c.1688A>G variant is predicted to result in the amino acid substitution p.Lys563Arg. To our knowledge, this variant has not been reported in the literature. This variant is reported in 0.0029% of alleles in individuals of Latino descent in gnomAD. At this time, the clinical significance of this variant is uncertain due to the absence of conclusive functional and genetic evidence.

NM_015909.4(NBAS):c.1688A>G (p.Lys563Arg)

Gene: NBAS (NBAS subunit of NRZ tethering complex; minus strand). Cytogenetic location: 2p24.3.
Variant type: single nucleotide variant.
Coding change: c.1688A>G on transcript NM_015909.4 (MANE Select); coding-DNA position 1688, A replaced by G.
Protein change: p.Lys563Arg; replaces lysine 563 with arginine.
Molecular consequence: missense variant. On other transcripts: non-coding transcript variant (1).
Genome position (GRCh38, 1-based): chr2:15,473,259, T>C on the plus strand (A>G on the coding strand, the complement: NBAS is on the minus strand). VCF-style: chr2-15473259-T-C. GRCh37 (hg19) VCF-style: chr2-15613383-T-C.
Other names: c.1688A>G (NM_015909.3, NM_015909.2); short protein forms K563R.
Identifiers: ClinVar variation 1381593 (VCV001381593.7), dbSNP rs1435584547, ClinGen allele CA345886122.